The following is an entry in ClinVar:

ClinVar aggregate classification (germline): Pathogenic (1 of 4 stars; one submission).

Submission:

Labcorp Genetics (formerly Invitae), Labcorp
Classification: Pathogenic. Last evaluated: 2022-01-18. Review status: criteria provided, single submitter. Criteria: Invitae Variant Classification Sherloc (09022015). Collection method: clinical testing. Allele origin: germline.
Comment: For these reasons, this variant has been classified as Pathogenic. This variant has not been reported in the literature in individuals affected with ESCO2-related conditions. This variant is not present in population databases (gnomAD no frequency). This sequence change creates a premature translational stop signal (p.Ser70Lysfs*32) in the ESCO2 gene. It is expected to result in an absent or disrupted protein product. Loss-of-function variants in ESCO2 are known to be pathogenic (PMID: 15821733, 16380922).

Literature cited by the submitters: PubMed 15821733; PubMed 16380922.

NM_001017420.3(ESCO2):c.208_209delinsA (p.Ser70fs)

Gene: ESCO2 (establishment of sister chromatid cohesion N-acetyltransferase 2; plus strand). Cytogenetic location: 8p21.1.
Variant type: Indel.
Coding change: c.208_209delinsA on transcript NM_001017420.3 (MANE Select); coding-DNA positions 208 to 209, TC replaced by A.
Protein change: p.Ser70fs; shifts the reading frame from serine 70.
Molecular consequence: frameshift variant.
Genome position (GRCh38, 1-based): chr8:27,776,516-27,776,517, TC replaced by A. VCF-style: chr8-27776516-TC-A. GRCh37 (hg19) VCF-style: chr8-27634033-TC-A.
Other names: short protein forms S70fs.
Identifiers: ClinVar variation 2087513 (VCV002087513.4), dbSNP rs2486626691, ClinGen allele CA2580078135.